The following is an entry in ClinVar:

NM_004813.4(PEX16):c.922G>C (p.Asp308His)

Gene: PEX16 (peroxisomal biogenesis factor 16; minus strand). Cytogenetic location: 11p11.2.
Variant type: single nucleotide variant.
Coding change: c.922G>C on transcript NM_004813.4 (MANE Select); coding-DNA position 922, G replaced by C.
Protein change: p.Asp308His; replaces aspartic acid 308 with histidine.
Molecular consequence: missense variant.
Genome position (GRCh38, 1-based): chr11:45,910,928, C>G on the plus strand (G>C on the coding strand, the complement: PEX16 is on the minus strand). VCF-style: chr11-45910928-C-G. GRCh37 (hg19) VCF-style: chr11-45932479-C-G.
Other names: c.922G>C, p.Asp308His (NM_057174.3); c.922G>C (NM_004813.2); short protein forms D308H.
Identifiers: ClinVar variation 594331 (VCV000594331.9), dbSNP rs749785179, ClinGen allele CA5959763.
Genomic context (GRCh38, chr11:45,910,928, plus strand): 5'-TACAGTCATCGCGTCCCCATCCCTGCTTACTTGTGACCAGGCCAACGCCAGGGACGTGGT[C>G]GGCCAGCAACTGGAGCAGGAAGAGGATCCTGGCCCTGGGGGAGGCAATAAATGGGGAGCA-3'
Protein context (NP_004804.2, residues 298-318): RILFLLQLLA[Asp308His]HVPGVGLVTR

ClinVar aggregate classification (germline): Uncertain significance. Review status: criteria provided, multiple submitters, no conflicts (2 of 4 stars). 4 submissions from 4 submitters: Uncertain significance (4). Last evaluated 2025-10-10.

Conditions:
PEX16-related disorder. Also called: PEX16-related condition.
Peroxisome biogenesis disorder. Identifiers: Orphanet 79189, MedGen C1832200, MONDO:0019234. Disease mechanism: loss of function.
Inborn genetic diseases. Identifiers: MedGen C0950123, MeSH D030342.

Allele frequency attached by ClinVar (database versions not stated): ExAC 0.00003; TOPMed 0.00006.
gnomAD v4.1: 32 of 1,613,426 alleles (0.002%); highest among the groups gnomAD compares: Non-Finnish European, 0.0026%; no homozygotes.

Submissions (4):

PreventionGenetics, part of Exact Sciences
Classification: Uncertain significance for PEX16-related condition. Last evaluated: 2025-10-10. Review status: criteria provided, single submitter. Criteria: ACMG Guidelines, 2015. Collection method: clinical testing. Allele origin: germline.
Comment: The PEX16 c.922G>C variant is predicted to result in the amino acid substitution p.Asp308His. To our knowledge, this variant has not been reported in the literature. This variant is reported in 0.0054% of alleles in individuals of European (Non-Finnish) descent in gnomAD. At this time, the clinical significance of this variant is uncertain due to the absence of conclusive functional and genetic evidence.

Ambry Genetics
Classification: Uncertain significance for Inborn genetic diseases. Last evaluated: 2022-11-07. Review status: criteria provided, single submitter. Criteria: Ambry Variant Classification Scheme 2023. Collection method: clinical testing. Allele origin: germline.

Labcorp Genetics (formerly Invitae), Labcorp
Classification: Uncertain significance for Peroxisome biogenesis disorder. Last evaluated: 2022-04-10. Review status: criteria provided, single submitter. Criteria: Invitae Variant Classification Sherloc (09022015). Collection method: clinical testing. Allele origin: germline.
Comment: This sequence change replaces aspartic acid, which is acidic and polar, with histidine, which is basic and polar, at codon 308 of the PEX16 protein (p.Asp308His). This variant is present in population databases (rs749785179, gnomAD 0.006%). This variant has not been reported in the literature in individuals affected with PEX16-related conditions. ClinVar contains an entry for this variant (Variation ID: 594331). Algorithms developed to predict the effect of missense changes on protein structure and function are either unavailable or do not agree on the potential impact of this missense change (SIFT: "Deleterious"; PolyPhen-2: "Probably Damaging"; Align-GVGD: "Class C0"). In summary, the available evidence is currently insufficient to determine the role of this variant in disease. Therefore, it has been classified as a Variant of Uncertain Significance.

Eurofins Ntd Llc (ga)
Classification: Uncertain significance. Last evaluated: 2017-10-03. Review status: criteria provided, single submitter. Criteria: EGL Classification Definitions 2015. Collection method: clinical testing. Allele origin: germline. Observed: 1 variant allele, 1 heterozygote.